The following is an entry in ClinVar:

NM_018136.5(ASPM):c.1184A>G (p.Gln395Arg)

Gene: ASPM (assembly factor for spindle microtubules; minus strand). Cytogenetic location: 1q31.3.
Variant type: single nucleotide variant.
Coding change: c.1184A>G on transcript NM_018136.5 (MANE Select); coding-DNA position 1184, A replaced by G.
Protein change: p.Gln395Arg; replaces glutamine 395 with arginine.
Molecular consequence: missense variant.
Genome position (GRCh38, 1-based): chr1:197,143,068, T>C on the plus strand (A>G on the coding strand, the complement: ASPM is on the minus strand). VCF-style: chr1-197143068-T-C. GRCh37 (hg19) VCF-style: chr1-197112198-T-C.
Other names: c.1184A>G, p.Gln395Arg (NM_001206846.2); short protein forms Q395R.
Identifiers: ClinVar variation 294656 (VCV000294656.8), dbSNP rs147820821, ClinGen allele CA1310754.

ClinVar aggregate classification (germline): Uncertain significance. Review status: criteria provided, multiple submitters, no conflicts (2 of 4 stars). 4 submissions from 4 submitters: Uncertain significance (4). Last evaluated 2024-08-20.

Conditions:
Inborn genetic diseases. Identifiers: MedGen C0950123, MeSH D030342.
Microcephaly 5, primary, autosomal recessive (MCPH5). Also called: ASPM Primary Microcephaly. Identifiers: Orphanet 2512, MedGen C1837501, MONDO:0012106, OMIM 608716.

Allele frequency attached by ClinVar (database versions not stated): gnomAD 0.00006; ExAC 0.00009; gnomAD exomes 0.00010 and 0.00017; TOPMed 0.00011; ESP Exome Variant Server 0.00016.
gnomAD v4.1: 257 of 1,613,006 alleles (0.016%); highest among the groups gnomAD compares: Non-Finnish European, 0.021%; no homozygotes.

Submissions (4):

Ambry Genetics
Classification: Uncertain significance for Inborn genetic diseases. Last evaluated: 2024-08-20. Review status: criteria provided, single submitter. Criteria: Ambry Variant Classification Scheme 2023. Collection method: clinical testing. Allele origin: germline.

Genome-Nilou Lab
Classification: Uncertain significance for Microcephaly 5, primary, autosomal recessive. Last evaluated: 2023-04-11. Review status: criteria provided, single submitter. Criteria: ACMG Guidelines, 2015. Collection method: clinical testing. Allele origin: germline. Affected: no.

Labcorp Genetics (formerly Invitae), Labcorp
Classification: Uncertain significance. Last evaluated: 2022-06-14. Review status: criteria provided, single submitter. Criteria: Invitae Variant Classification Sherloc (09022015). Collection method: clinical testing. Allele origin: germline.
Comment: This sequence change replaces glutamine, which is neutral and polar, with arginine, which is basic and polar, at codon 395 of the ASPM protein (p.Gln395Arg). This variant is present in population databases (rs147820821, gnomAD 0.02%). This variant has not been reported in the literature in individuals affected with ASPM-related conditions. ClinVar contains an entry for this variant (Variation ID: 294656). Algorithms developed to predict the effect of missense changes on protein structure and function are either unavailable or do not agree on the potential impact of this missense change (SIFT: "Tolerated"; PolyPhen-2: "Probably Damaging"; Align-GVGD: "Class C0"). In summary, the available evidence is currently insufficient to determine the role of this variant in disease. Therefore, it has been classified as a Variant of Uncertain Significance.

Illumina Laboratory Services, Illumina
Classification: Uncertain significance for Microcephaly 5, primary, autosomal recessive. Last evaluated: 2018-01-13. Review status: criteria provided, single submitter. Criteria: ICSL Variant Classification Criteria 13 December 2019. Collection method: clinical testing. Allele origin: germline.